The following is an entry in ClinVar:

ClinVar aggregate classification (germline): Uncertain significance. Review status: criteria provided, multiple submitters, no conflicts (2 of 4 stars). 4 submissions from 4 submitters: Uncertain significance (4). Last evaluated 2026-07-13.

Conditions:
TTLL5-related disorder. Also called: TTLL5-related condition.
Inborn genetic diseases. Identifiers: MedGen C0950123, MeSH D030342.
Cone-rod dystrophy 19 (CORD19). Identifiers: Orphanet 1872, MedGen C4014501, MONDO:0014372, OMIM 615860.

Allele frequency attached by ClinVar (database versions not stated): TOPMed 0.00023; ExAC 0.00030; gnomAD exomes 0.00030 and 0.00058; gnomAD 0.00034 and 0.00036; ESP Exome Variant Server 0.00046.
gnomAD v4.1: 882 of 1,613,440 alleles (0.055%); highest among the groups gnomAD compares: Non-Finnish European, 0.07%; no homozygotes.

Submissions (5):

PreventionGenetics, part of Exact Sciences
Classification: Uncertain significance for TTLL5-related condition. Last evaluated: 2026-07-13. Review status: criteria provided, single submitter. Criteria: ACMG Guidelines, 2015. Collection method: clinical testing. Allele origin: germline.
Comment: The TTLL5 c.3395G>A variant is predicted to result in the amino acid substitution p.Gly1132Glu. To our knowledge, this variant has not been reported in the literature. This variant is reported in 0.068% of alleles in individuals of European (Finnish) descent in gnomAD. At this time, the clinical significance of this variant is uncertain due to the absence of conclusive functional and genetic evidence.

Blueprint Genetics
Classification: Uncertain significance. Last evaluated: 2024-11-22. Review status: criteria provided, single submitter. Criteria: ACMG Guidelines, 2015. Collection method: clinical testing. Allele origin: germline.

Labcorp Genetics (formerly Invitae), Labcorp
Classification: Uncertain significance. Last evaluated: 2022-10-17. Review status: criteria provided, single submitter. Criteria: Invitae Variant Classification Sherloc (09022015). Collection method: clinical testing. Allele origin: germline.
Comment: This sequence change replaces glycine, which is neutral and non-polar, with glutamic acid, which is acidic and polar, at codon 1132 of the TTLL5 protein (p.Gly1132Glu). This variant is present in population databases (rs146051440, gnomAD 0.06%). This variant has not been reported in the literature in individuals affected with TTLL5-related conditions. ClinVar contains an entry for this variant (Variation ID: 947701). Advanced modeling of protein sequence and biophysical properties (such as structural, functional, and spatial information, amino acid conservation, physicochemical variation, residue mobility, and thermodynamic stability) performed at Invitae indicates that this missense variant is not expected to disrupt TTLL5 protein function. In summary, the available evidence is currently insufficient to determine the role of this variant in disease. Therefore, it has been classified as a Variant of Uncertain Significance.

Ambry Genetics
Classification: Uncertain significance for Inborn genetic diseases. Last evaluated: 2021-09-17. Review status: criteria provided, single submitter. Criteria: Ambry Variant Classification Scheme 2023. Collection method: clinical testing. Allele origin: germline.

Dr. Peter K. Rogan Lab, Western University
No classification provided (evidence only). Condition: Thyroid cancer, nonmedullary, 1. Review status: no classification provided. Collection method: in vitro. Allele origin: not applicable. Functional consequence: retained intron. Not counted in ClinVar's aggregate classification.

NM_015072.5(TTLL5):c.3395G>A (p.Gly1132Glu)

Gene: TTLL5 (tubulin tyrosine ligase like 5; plus strand). Cytogenetic location: 14q24.3.
Variant type: single nucleotide variant.
Coding change: c.3395G>A on transcript NM_015072.5 (MANE Select); coding-DNA position 3395, G replaced by A.
Protein change: p.Gly1132Glu; replaces glycine 1132 with glutamic acid.
Molecular consequence: missense variant.
Genome position (GRCh38, 1-based): chr14:75,863,735, G>A. VCF-style: chr14-75863735-G-A. GRCh37 (hg19) VCF-style: chr14-76330078-G-A.
Other names: short protein forms G1132E.
Identifiers: ClinVar variation 947701 (VCV000947701.9), dbSNP rs146051440, ClinGen allele CA7280002.